The following is an entry in ClinVar:

ClinVar aggregate classification (germline): Uncertain significance (1 of 4 stars; one submission).

Conditions:
Dyskeratosis congenita. Identifiers: Orphanet 1775, MedGen C0265965, MONDO:0015780.

Submission:

Labcorp Genetics (formerly Invitae), Labcorp
Classification: Uncertain significance for Dyskeratosis congenita. Last evaluated: 2024-03-30. Review status: criteria provided, single submitter. Criteria: Invitae Variant Classification Sherloc (09022015). Collection method: clinical testing. Allele origin: germline.
Comment: This sequence change replaces leucine, which is neutral and non-polar, with proline, which is neutral and non-polar, at codon 310 of the CTC1 protein (p.Leu310Pro). This variant is not present in population databases (gnomAD no frequency). This variant has not been reported in the literature in individuals affected with CTC1-related conditions. Advanced modeling of protein sequence and biophysical properties (such as structural, functional, and spatial information, amino acid conservation, physicochemical variation, residue mobility, and thermodynamic stability) performed at Invitae indicates that this missense variant is expected to disrupt CTC1 protein function with a positive predictive value of 80%. In summary, the available evidence is currently insufficient to determine the role of this variant in disease. Therefore, it has been classified as a Variant of Uncertain Significance.

NM_025099.6(CTC1):c.929T>C (p.Leu310Pro)

Gene: CTC1 (CST telomere replication complex component 1; minus strand). Cytogenetic location: 17p13.1.
Variant type: single nucleotide variant.
Coding change: c.929T>C on transcript NM_025099.6 (MANE Select); coding-DNA position 929, T replaced by C.
Protein change: p.Leu310Pro; replaces leucine 310 with proline.
Molecular consequence: missense variant. On other transcripts: non-coding transcript variant (1).
Genome position (GRCh38, 1-based): chr17:8,236,206, A>G on the plus strand (T>C on the coding strand, the complement: CTC1 is on the minus strand). VCF-style: chr17-8236206-A-G. GRCh37 (hg19) VCF-style: chr17-8139524-A-G.
Other names: c.929T>C, p.Leu310Pro (NM_001411067.1); short protein forms L310P.
Identifiers: ClinVar variation 3648225 (VCV003648225.2).
Genomic context (GRCh38, chr17:8,236,206, plus strand): 5'-TCAGCCTCTAAGAGGGGTCCTTCCAGCTCCAGTTCCAGCTCCTGCACACATTCTGGTTTC[A>G]GCAGCAACAGACGGGAGGACTGACTGGTCATCCAAACATGCTGGCGCTGACCACGGATCT-3'
Protein context (NP_079375.3, residues 300-320): MTSQSSRLLL[Leu310Pro]KPECVQELEL